The following is an entry in ClinVar:

ClinVar aggregate classification (germline): Uncertain significance (1 of 4 stars; one submission).

Conditions:
Immunodeficiency. Identifiers: MedGen C0021051, MONDO:0021094, HP:0002721.

Submission:

Labcorp Genetics (formerly Invitae), Labcorp
Classification: Uncertain significance for Immunodeficiency. Last evaluated: 2021-07-17. Review status: criteria provided, single submitter. Criteria: Invitae Variant Classification Sherloc (09022015). Collection method: clinical testing. Allele origin: germline.
Comment: This sequence change replaces glutamic acid with lysine at codon 73 of the NFAT5 protein (p.Glu73Lys). The glutamic acid residue is highly conserved and there is a small physicochemical difference between glutamic acid and lysine. This variant is not present in population databases (ExAC no frequency). This variant has not been reported in the literature in individuals affected with NFAT5-related conditions. Algorithms developed to predict the effect of missense changes on protein structure and function are either unavailable or do not agree on the potential impact of this missense change (SIFT: "Tolerated"; PolyPhen-2: "Probably Damaging"; Align-GVGD: "Class C0"). In summary, the available evidence is currently insufficient to determine the role of this variant in disease. Therefore, it has been classified as a Variant of Uncertain Significance.

NM_138713.4(NFAT5):c.499G>A (p.Glu167Lys)

Gene: NFAT5 (nuclear factor of activated T cells 5; plus strand). Cytogenetic location: 16q22.1.
Variant type: single nucleotide variant.
Coding change: c.499G>A on transcript NM_138713.4 (MANE Select); coding-DNA position 499, G replaced by A.
Protein change: p.Glu167Lys; replaces glutamic acid 167 with lysine.
Molecular consequence: missense variant. On other transcripts: intron variant (1).
Genome position (GRCh38, 1-based): chr16:69,647,273, G>A. VCF-style: chr16-69647273-G-A. GRCh37 (hg19) VCF-style: chr16-69681176-G-A.
Other names: c.499G>A, p.Glu167Lys (NM_001113178.3); c.445G>A, p.Glu149Lys (NM_006599.4); c.217G>A, p.Glu73Lys (NM_138714.4, NM_173214.3, NM_173215.3); c.140+106G>A (NM_001367709.1); short protein forms E149K, E167K, E73K.
Identifiers: ClinVar variation 1465843 (VCV001465843.8), dbSNP rs2151621771, ClinGen allele CA396484552.